The following is an entry in ClinVar:

ClinVar aggregate classification (germline): Likely pathogenic. Review status: criteria provided, multiple submitters, no conflicts (2 of 4 stars). 2 submissions from 2 submitters: Likely pathogenic (2). Last evaluated 2023-06-06.

Conditions:
Hypogonadotropic hypogonadism 2 with or without anosmia (HH2). Also called: FGFR1-Related GnRH Deficiency (Kallmann Syndrome 2); HYPOGONADOTROPIC HYPOGONADISM 2 WITHOUT ANOSMIA; HYPOGONADOTROPIC HYPOGONADISM 2 WITH OR WITHOUT ANOSMIA, SUSCEPTIBILITY TO; HYPOGONADOTROPIC HYPOGONADISM 2 WITHOUT ANOSMIA, SUSCEPTIBILITY TO. Identifiers: Orphanet 478, MedGen C1563720, MONDO:0007844, OMIM 147950. Disease mechanism: loss of function.
FGFR1-related disorder. Also called: FGFR1-related disorders; FGFR1-related condition. Identifiers: MedGen CN380097.

Submissions (2):

PreventionGenetics, part of Exact Sciences
Classification: Likely pathogenic for FGFR1-related condition. Last evaluated: 2023-06-06. Review status: criteria provided, single submitter. Criteria: ACMG Guidelines, 2015. Collection method: clinical testing. Allele origin: germline.
Comment: The FGFR1 c.2233C>T variant is predicted to result in the amino acid substitution p.Pro745Ser. This variant has been reported in multiple individuals with Kallmann syndrome or congenital hypogonadotropic hypogonadism (Sato et al 2004. PubMed ID: 15001591; Sykiotis GP et al 2010. PubMed ID: 20696889; Table S2, Cassatella D et al 2018. PubMed ID: 29419413; Acierno JS et al 2020. PubMed ID: 32724172). This variant is located in the tyrosine kinase domain TK2 of FGFR1. Available data predicts it may cause a decrease or inhibition of kinase activity by disrupting the receptor conformation and/or altering the normal pattern of the domain's phosphorylation (Rajith B et al 2013. PubMed ID: 23329143; Gach et al. 2020. PubMed ID: 31996231). This variant has not been reported in a large population database, indicating this variant is rare. This variant is interpreted as likely pathogenic.

Reproductive Endocrine Unit, Massachusetts General Hospital
Classification: Likely pathogenic for Hypogonadotropic hypogonadism 2 with or without anosmia. Last evaluated: 2023-05-04. Review status: criteria provided, single submitter. Criteria: ACMG Guidelines, 2015. Collection method: research. Allele origin: de novo. Affected: yes. Observed: 1 variant allele.

NM_023110.3(FGFR1):c.2233C>T (p.Pro745Ser)

Gene: FGFR1 (fibroblast growth factor receptor 1; minus strand). Cytogenetic location: 8p11.23.
Variant type: single nucleotide variant.
Coding change: c.2233C>T on transcript NM_023110.3 (MANE Select); coding-DNA position 2233, C replaced by T.
Protein change: p.Pro745Ser; replaces proline 745 with serine.
Molecular consequence: missense variant.
Genome position (GRCh38, 1-based): chr8:38,413,977, G>A on the plus strand (C>T on the coding strand, the complement: FGFR1 is on the minus strand). VCF-style: chr8-38413977-G-A. GRCh37 (hg19) VCF-style: chr8-38271495-G-A.
Other names: c.2233C>T, p.Pro745Ser (NM_000604.2); c.2227C>T, p.Pro743Ser (NM_001174063.2, NM_001174065.2, NM_001354367.2 and 1 more transcripts); c.2203C>T, p.Pro735Ser (NM_001174064.2); c.1966C>T, p.Pro656Ser (NM_001174066.2, NM_023105.3); c.2326C>T, p.Pro776Ser (NM_001174067.2); c.1954C>T, p.Pro652Ser (NM_001354368.2); c.2221C>T, p.Pro741Ser (NM_001354369.2, NM_001410922.1); c.1960C>T, p.Pro654Ser (NM_001354370.2, NM_023106.3); short protein forms P652S, P654S, P656S, P735S, P741S, P743S, P745S, P776S.
Identifiers: ClinVar variation 2505455 (VCV002505455.2), dbSNP rs2150521592, ClinGen allele CA370727987.